The following is an entry in ClinVar:

NM_001845.6(COL4A1):c.1847A>G (p.Asp616Gly)

Gene: COL4A1 (collagen type IV alpha 1 chain; minus strand). Cytogenetic location: 13q34.
Variant type: single nucleotide variant.
Coding change: c.1847A>G on transcript NM_001845.6 (MANE Select); coding-DNA position 1847, A replaced by G.
Protein change: p.Asp616Gly; replaces aspartic acid 616 with glycine.
Molecular consequence: missense variant.
Genome position (GRCh38, 1-based): chr13:110,186,435, T>C on the plus strand (A>G on the coding strand, the complement: COL4A1 is on the minus strand). VCF-style: chr13-110186435-T-C. GRCh37 (hg19) VCF-style: chr13-110838782-T-C.
Other names: short protein forms D616G.
Identifiers: ClinVar variation 1421338 (VCV001421338.7), dbSNP rs756221734, ClinGen allele CA7047815.

ClinVar aggregate classification (germline): Uncertain significance. Review status: criteria provided, multiple submitters, no conflicts (2 of 4 stars). 2 submissions from 2 submitters: Uncertain significance (2). Last evaluated 2023-03-25.

Conditions:
Brain small vessel disease 1 with or without ocular anomalies (BSVD1). Also called: GOULD SYNDROME 1; PORENCEPHALY, TYPE 1, AUTOSOMAL DOMINANT; BRAIN SMALL VESSEL DISEASE WITH HEMORRHAGE; Brain small vessel disease with or without ocular anomalies. Identifiers: Orphanet 2940, Orphanet 36383, Orphanet 99810, MedGen C4755307, MONDO:0008289, OMIM 175780.
Microangiopathy and leukoencephalopathy, pontine, autosomal dominant. Also called: DEMENTIA, HEREDITARY MULTI-INFARCT, SWEDISH TYPE; Pontine autosomal dominant microangiopathy with leukoencephalopathy. Identifiers: Orphanet 477749, MedGen C5231411, MONDO:0032814, OMIM 618564.
Hemorrhage, intracerebral, susceptibility to (ICH). Also called: Stroke, hemorrhagic, susceptibility to. Identifiers: MedGen C3281105, MONDO:0100533, OMIM 614519.
Autosomal dominant familial hematuria-retinal arteriolar tortuosity-contractures syndrome. Also called: Angiopathy, hereditary, with nephropathy, aneurysms, and muscle cramps; Hereditary Angiopathy with Nephropathy, Aneurysms, and Muscle Cramps (HANAC) Syndrome. Identifiers: Orphanet 73229, MedGen C2673195, MONDO:0012726, OMIM 611773.
Retinal arterial tortuosity. Also called: RETINAL HEMORRHAGE WITH VASCULAR TORTUOSITY; Retinal arteries, tortuosity of. Identifiers: Orphanet 75326, MedGen C0423401, MONDO:0008373, OMIM 180000, HP:0000631.

Allele frequency attached by ClinVar (database versions not stated): gnomAD exomes 0.00001 and 0.00002; ExAC 0.00003.
gnomAD v4.1: 6 of 1,613,740 alleles (0.00037%); highest among the groups gnomAD compares: Admixed American, 0.01%; no homozygotes.

Submissions (2):

Labcorp Genetics (formerly Invitae), Labcorp
Classification: Uncertain significance. Last evaluated: 2023-03-25. Review status: criteria provided, single submitter. Criteria: Invitae Variant Classification Sherloc (09022015). Collection method: clinical testing. Allele origin: germline.
Comment: This sequence change replaces aspartic acid, which is acidic and polar, with glycine, which is neutral and non-polar, at codon 616 of the COL4A1 protein (p.Asp616Gly). In summary, the available evidence is currently insufficient to determine the role of this variant in disease. Therefore, it has been classified as a Variant of Uncertain Significance. An algorithm developed to predict the effect of missense changes on protein structure and function (PolyPhen-2) suggests that this variant is likely to be tolerated. ClinVar contains an entry for this variant (Variation ID: 1421338). This variant has not been reported in the literature in individuals affected with COL4A1-related conditions. This variant is present in population databases (rs756221734, gnomAD 0.01%).

Fulgent Genetics
Classification: Uncertain significance for Brain small vessel disease 1 with or without ocular anomalies; Retinal arterial tortuosity; Autosomal dominant familial hematuria-retinal arteriolar tortuosity-contractures syndrome; Hemorrhage, intracerebral, susceptibility to; Microangiopathy and leukoencephalopathy, pontine, autosomal dominant. Last evaluated: 2021-12-02. Review status: criteria provided, single submitter. Criteria: ACMG Guidelines, 2015. Collection method: clinical testing. Allele origin: unknown.